The following is an entry in ClinVar:

ClinVar aggregate classification (germline): Uncertain significance. Review status: criteria provided, multiple submitters, no conflicts (2 of 4 stars). 2 submissions from 2 submitters: Uncertain significance (2). Last evaluated 2025-06-30.

Allele frequency attached by ClinVar (database versions not stated): ExAC 0.00001; gnomAD 0.00001; gnomAD exomes 0.00001; TOPMed 0.00001.

Submissions (2):

Labcorp Genetics (formerly Invitae), Labcorp
Classification: Uncertain significance. Last evaluated: 2025-06-30. Review status: criteria provided, single submitter. Criteria: Invitae Variant Classification Sherloc (09022015). Collection method: clinical testing. Allele origin: germline.
Comment: This sequence change replaces arginine, which is basic and polar, with tryptophan, which is neutral and slightly polar, at codon 151 of the A4GALT protein (p.Arg151Trp). This variant is present in population databases (rs766624269, gnomAD 0.005%). This variant has not been reported in the literature in individuals affected with A4GALT-related conditions. ClinVar contains an entry for this variant (Variation ID: 3108288). An algorithm developed to predict the effect of missense changes on protein structure and function (PolyPhen-2) suggests that this variant is likely to be disruptive. In summary, the available evidence is currently insufficient to determine the role of this variant in disease. Therefore, it has been classified as a Variant of Uncertain Significance.

Ambry Genetics
Classification: Uncertain significance. Last evaluated: 2023-11-14. Review status: criteria provided, single submitter. Criteria: Ambry Variant Classification Scheme 2023. Collection method: clinical testing. Allele origin: germline.

NM_017436.7(A4GALT):c.451C>T (p.Arg151Trp)

Gene: A4GALT (alpha 1,4-galactosyltransferase (P1PK blood group); minus strand). Cytogenetic location: 22q13.2.
Variant type: single nucleotide variant.
Coding change: c.451C>T on transcript NM_017436.7 (MANE Select); coding-DNA position 451, C replaced by T.
Protein change: p.Arg151Trp; replaces arginine 151 with tryptophan.
Molecular consequence: missense variant.
Genome position (GRCh38, 1-based): chr22:42,693,501, G>A on the plus strand (C>T on the coding strand, the complement: A4GALT is on the minus strand). VCF-style: chr22-42693501-G-A. GRCh37 (hg19) VCF-style: chr22-43089507-G-A.
Other names: c.451C>T, p.Arg151Trp (NM_001318038.3); short protein forms R151W.
Identifiers: ClinVar variation 3108288 (VCV003108288.2), dbSNP rs766624269, ClinGen allele CA10270299.